The following is an entry in ClinVar:

NC_000003.11:g.(?_182763181)_(182810353_?)dup

Gene: MCCC1 (methylcrotonyl-CoA carboxylase subunit 1; minus strand). Cytogenetic location: 3q27.1.
Variant type: Duplication.
Identifiers: ClinVar variation 3246944 (VCV003246944.1).

ClinVar aggregate classification (germline): Likely pathogenic (1 of 4 stars; one submission).

Conditions:
3-methylcrotonyl-CoA carboxylase 1 deficiency (MCC1D). Also called: MCC 1 deficiency; 3 Alpha methylcrotonylglycinuria 1; MCCD TYPE 1; METHYLCROTONYLGLYCINURIA TYPE I. Identifiers: Orphanet 6, MedGen CN028786, MONDO:0008861, OMIM 210200.

Submission:

Labcorp Genetics (formerly Invitae), Labcorp
Classification: Likely pathogenic for 3-methylcrotonyl-CoA carboxylase 1 deficiency. Last evaluated: 2022-12-27. Review status: criteria provided, single submitter. Criteria: Invitae Variant Classification Sherloc (09022015). Collection method: clinical testing. Allele origin: unknown.
Comment: In summary, the currently available evidence indicates that the variant is pathogenic, but additional data are needed to prove that conclusively. Therefore, this variant has been classified as Likely Pathogenic. This variant has not been reported in the literature in individuals affected with MCCC1-related conditions. This variant results in a copy number gain of the genomic region encompassing exon(s) 3-10 of the MCCC1 gene. While the exact position of this variant cannot be determined from the data, sub-genic copy number gains are generally in tandem (PMID: 25640679). This variant is predicted to be out-of-frame, and may result in an absent or disrupted protein product. Loss-of-function variants in MCCC1 are known to be pathogenic (PMID: 11181649, 15359379, 22642865).

Literature cited by the submitters: PubMed 25640679; PubMed 11181649; PubMed 15359379; PubMed 22642865.